The following is an entry in ClinVar:

NM_181503.3(EXOSC8):c.192+1G>A

Gene: EXOSC8 (exosome component 8; plus strand). Cytogenetic location: 13q13.3.
Variant type: single nucleotide variant.
Coding change: c.192+1G>A on transcript NM_181503.3 (MANE Select); the canonical splice donor site of the intron after coding-DNA position 192, G replaced by A.
Molecular consequence: splice donor variant.
Genome position (GRCh38, 1-based): chr13:37,003,008, G>A. VCF-style: chr13-37003008-G-A. GRCh37 (hg19) VCF-style: chr13-37577145-G-A.
Identifiers: ClinVar variation 3354480 (VCV003354480.1).
Genomic context (GRCh38, chr13:37,003,008, plus strand): 5'-GCAGATGGTTCTGCTTTAGTGAAGTTGGGAAATACTACAGTAATCTGTGGAGTTAAAGCA[G>A]TAAGTCTAAATATGTCCTATTGAGATTTGAGTTACAAAGTTAGCTTTATTTATTAGATTG-3'

ClinVar aggregate classification (germline): Uncertain significance (0 of 4 stars; one submission).

Conditions:
EXOSC8-related disorder. Also called: EXOSC8-related condition.

gnomAD v4.1: 2 of 1,571,126 alleles (0.00013%); highest among the groups gnomAD compares: Admixed American, 0.0033%; no homozygotes.

Submission:

PreventionGenetics, part of Exact Sciences
Classification: Uncertain significance for EXOSC8-related condition. Last evaluated: 2024-03-21. Review status: no assertion criteria provided. Collection method: clinical testing. Allele origin: germline.
Comment: The EXOSC8 c.192+1G>A variant is predicted to disrupt the GT donor site and interfere with normal splicing. To our knowledge, this variant has not been reported in the literature. This variant is reported in 0.0058% of alleles in individuals of Latino descent in gnomAD. Of note, splicing variants have not commonly been reported in EXOSC8. Although we suspect that this variant may be pathogenic, at this time, the clinical significance of this variant is uncertain due to the absence of conclusive functional and genetic evidence.